The following is an entry in ClinVar:

NM_001350162.2(TEX15):c.4692T>C (p.Asp1564=)

Gene: TEX15 (testis expressed 15, meiosis and synapsis associated; minus strand). Cytogenetic location: 8p12.
Variant type: single nucleotide variant.
Coding change: c.4692T>C on transcript NM_001350162.2 (MANE Select); coding-DNA position 4692, T replaced by C.
Protein change: p.Asp1564=; no amino-acid change (aspartic acid 1564 retained).
Molecular consequence: synonymous variant.
Genome position (GRCh38, 1-based): chr8:30,845,475, A>G on the plus strand (T>C on the coding strand, the complement: TEX15 is on the minus strand). VCF-style: chr8-30845475-A-G. GRCh37 (hg19) VCF-style: chr8-30702991-A-G.
Other names: c.3543T>C, p.Asp1181= (NM_031271.3).
Identifiers: ClinVar variation 3060643 (VCV003060643.2), dbSNP rs1362912, ClinGen allele CA4702995.

ClinVar aggregate classification (germline): Benign (0 of 4 stars; one submission).

Conditions:
TEX15-related disorder. Also called: TEX15-related condition.

Allele frequency attached by ClinVar (database versions not stated): ESP Exome Variant Server 0.04418; gnomAD 0.06120; TOPMed 0.07025; 1000 Genomes Project 0.07528; 1000 Genomes Project 30x 0.07745; ExAC 0.07907.
gnomAD v4.1: 99,249 of 1,613,292 alleles (6.2%); highest among the groups gnomAD compares: Admixed American, 26%; 4,723 homozygotes.

Submission:

PreventionGenetics, part of Exact Sciences
Classification: Benign for TEX15-related condition. Last evaluated: 2019-10-28. Review status: no assertion criteria provided. Collection method: clinical testing. Allele origin: germline.
Comment: This variant is classified as benign based on ACMG/AMP sequence variant interpretation guidelines (Richards et al. 2015 PMID: 25741868, with internal and published modifications).